The following is an entry in ClinVar:

NM_004187.5(KDM5C):c.974_975del (p.Tyr325fs)

Gene: KDM5C (lysine demethylase 5C; minus strand). Cytogenetic location: Xp11.22.
Variant type: Microsatellite.
Coding change: c.974_975del on transcript NM_004187.5 (MANE Select); coding-DNA positions 974 to 975, 2 bases deleted (AT; older notation c.974_975delAT).
Protein change: p.Tyr325fs; shifts the reading frame from tyrosine 325.
Molecular consequence: frameshift variant. On other transcripts: non-coding transcript variant (3).
Genome position (GRCh38, 1-based): chrX:53,214,836-53,214,837, AT deleted on the plus strand (AT on the coding strand, the reverse complement: KDM5C is on the minus strand); deleting any 2 consecutive bases within chrX:53,214,836-53,214,839 gives the same sequence; the c. name uses the placement nearest the transcript's 3' end. VCF-style (leftmost placement, unchanged base first): chrX-53214835-CAT-C. GRCh37 (hg19) VCF-style: chrX-53244017-CAT-C.
Other names: c.773_774del, p.Tyr258fs (NM_001146702.2); c.971_972del, p.Tyr324fs (NM_001282622.3, NM_001353979.2, NM_001353982.2); c.974_975del, p.Tyr325fs (NM_001353978.3, NM_001353981.2, NM_001353984.2); short protein forms Y325fs, Y324fs, Y258fs.
Identifiers: ClinVar variation 2756787 (VCV002756787.5), dbSNP rs2519541632, ClinGen allele CA2697553101.

ClinVar aggregate classification (germline): Pathogenic/Likely pathogenic. Review status: criteria provided, multiple submitters, no conflicts (2 of 4 stars). 2 submissions from 2 submitters: Pathogenic (1); Likely pathogenic (1). Last evaluated 2023-09-08.

Conditions:
Spastic paraplegia. Identifiers: MedGen C0037772, HP:0001258.
Intellectual developmental disorder, X-linked, syndromic, Claes-Jensen type. Also called: Syndromic X-linked intellectual disability Claes-Jensen type; INTELLECTUAL DEVELOPMENTAL DISORDER, X-LINKED, SYNDROMIC 16; MENTAL RETARDATION, X-LINKED, SYNDROMIC 16. Identifiers: Orphanet 85279, MedGen C1845243, MONDO:0010355, OMIM 300534.

Submissions (2):

Labcorp Genetics (formerly Invitae), Labcorp
Classification: Pathogenic for Spastic paraplegia. Last evaluated: 2023-09-08. Review status: criteria provided, single submitter. Criteria: Invitae Variant Classification Sherloc (09022015). Collection method: clinical testing. Allele origin: germline.
Comment: This sequence change creates a premature translational stop signal (p.Tyr325Cysfs*10) in the KDM5C gene. It is expected to result in an absent or disrupted protein product. Loss-of-function variants in KDM5C are known to be pathogenic (PMID: 15586325, 18697827). For these reasons, this variant has been classified as Pathogenic. This variant has not been reported in the literature in individuals affected with KDM5C-related conditions. This variant is not present in population databases (gnomAD no frequency).

Juno Genomics, Hangzhou Juno Genomics, Inc
Classification: Likely pathogenic for Intellectual developmental disorder, X-linked, syndromic, Claes-Jensen type. Review status: criteria provided, single submitter. Criteria: ACMG Guidelines, 2015. Collection method: clinical testing. Allele origin: germline. Affected: yes.
Comment: Null variant in a gene where loss of function (LOF) is a known mechanism of disease.;Absent from controls (or at extremely low frequency if recessive) in Genome Aggregation Database, Exome Sequencing Project, 1000 Genomes Project, or Exome Aggregation Consortium.

Literature cited by the submitters: PubMed 15586325 (cited by Labcorp Genetics (formerly Invitae), Labcorp); PubMed 18697827 (cited by Labcorp Genetics (formerly Invitae), Labcorp).